The following is an entry in ClinVar:

ClinVar aggregate classification (germline): Pathogenic (1 of 4 stars; one submission).

Conditions:
Nemaline myopathy 2 (NEM2). Also called: Nemaline myopathy 2, autosomal recessive. Identifiers: MedGen C1850569, MONDO:0009725, OMIM 256030.

Submission:

Labcorp Genetics (formerly Invitae), Labcorp
Classification: Pathogenic for Nemaline myopathy 2. Last evaluated: 2022-08-30. Review status: criteria provided, single submitter. Criteria: Invitae Variant Classification Sherloc (09022015). Collection method: clinical testing. Allele origin: germline.
Comment: For these reasons, this variant has been classified as Pathogenic. This variant has not been reported in the literature in individuals affected with NEB-related conditions. This variant is not present in population databases (gnomAD no frequency). This sequence change creates a premature translational stop signal (p.Gly287Alafs*16) in the NEB gene. It is expected to result in an absent or disrupted protein product. Loss-of-function variants in NEB are known to be pathogenic (PMID: 25205138).

Literature cited by the submitters: PubMed 25205138.

NM_001164508.2(NEB):c.858del (p.Gly287fs)

Gene: NEB (nebulin; minus strand). Cytogenetic location: 2q23.3.
Variant type: Deletion.
Coding change: c.858del on transcript NM_001164508.2 (MANE Select); coding-DNA position 858, one base deleted (A; older notation c.858delA).
Protein change: p.Gly287fs; shifts the reading frame from glycine 287.
Molecular consequence: frameshift variant.
Genome position (GRCh38, 1-based): chr2:151,710,503, T deleted on the plus strand (A on the coding strand, the reverse complement: NEB is on the minus strand); the first of 3 consecutive T bases (chr2:151,710,503-151,710,505); deleting any one gives the same sequence. VCF-style (leftmost placement, unchanged base first): chr2-151710502-CT-C. GRCh37 (hg19) VCF-style: chr2-152567016-CT-C.
Other names: c.858del, p.Gly287fs (NM_001164507.2, NM_001271208.2, NM_004543.5); short protein forms G287fs.
Identifiers: ClinVar variation 2025350 (VCV002025350.4), dbSNP rs2552275065, ClinGen allele CA2580064040.
Genomic context (GRCh38, chr2:151,710,502, plus strand): 5'-TGTTATCAGCATTCATTCTGGCATTTGCAACTTCAAAGCAAGGTGTCTCACTCCATTTGC[CT>C]TTGATTTTATTTTCATAGTCTTCTTTGTATTTTTGCTAGAAAAAAGAAAAAGAAAATAAG-3'